The following is an entry in ClinVar:

ClinVar aggregate classification (germline): Uncertain significance (1 of 4 stars; one submission).

gnomAD v4.1: 1 of 1,613,958 alleles (0.000062%); highest among the groups gnomAD compares: South Asian, 0.0011%; no homozygotes.

Submission:

Labcorp Genetics (formerly Invitae), Labcorp
Classification: Uncertain significance. Last evaluated: 2021-08-16. Review status: criteria provided, single submitter. Criteria: Invitae Variant Classification Sherloc (09022015). Collection method: clinical testing. Allele origin: germline.
Comment: This sequence change replaces proline with leucine at codon 1192 of the SKIV2L protein (p.Pro1192Leu). The proline residue is weakly conserved and there is a moderate physicochemical difference between proline and leucine. This variant is not present in population databases (ExAC no frequency). This variant has not been reported in the literature in individuals affected with SKIV2L-related conditions. Algorithms developed to predict the effect of missense changes on protein structure and function (SIFT, PolyPhen-2, Align-GVGD) all suggest that this variant is likely to be tolerated. In summary, the available evidence is currently insufficient to determine the role of this variant in disease. Therefore, it has been classified as a Variant of Uncertain Significance.

NM_006929.5(SKIC2):c.3575C>T (p.Pro1192Leu)

Gene: SKIC2 (SKI2 subunit of superkiller complex; plus strand). Cytogenetic location: 6p21.33.
Variant type: single nucleotide variant.
Coding change: c.3575C>T on transcript NM_006929.5 (MANE Select); coding-DNA position 3575, C replaced by T.
Protein change: p.Pro1192Leu; replaces proline 1192 with leucine.
Molecular consequence: missense variant.
Genome position (GRCh38, 1-based): chr6:31,969,549, C>T. VCF-style: chr6-31969549-C-T. GRCh37 (hg19) VCF-style: chr6-31937326-C-T.
Other names: short protein forms P1192L.
Identifiers: ClinVar variation 1488070 (VCV001488070.3), dbSNP rs2151817999, ClinGen allele CA363491037.
Genomic context (GRCh38, chr6:31,969,549, plus strand): 5'-CAGTCCTCACCCTACTTTCCCCACAGCCCTTCTCCGAGTTGGCAGGGCTCTCAGGGACCC[C>T]TGAGGGCCTGGTGGTCCGCTGCATTCAGCGCCTGGCTGAGATGTGTCGCTCACTGCGGGG-3'
Protein context (NP_008860.4, residues 1182-1202): FSELAGLSGT[Pro1192Leu]EGLVVRCIQR